The following is an entry in ClinVar:

NM_006345.4(SLC30A9):c.840+1G>A

Gene: SLC30A9 (solute carrier family 30 member 9; plus strand). Cytogenetic location: 4p13.
Variant type: single nucleotide variant.
Coding change: c.840+1G>A on transcript NM_006345.4 (MANE Select); the canonical splice donor site of the intron after coding-DNA position 840, G replaced by A.
Molecular consequence: splice donor variant.
Genome position (GRCh38, 1-based): chr4:42,049,480, G>A. VCF-style: chr4-42049480-G-A. GRCh37 (hg19) VCF-style: chr4-42051497-G-A.
Identifiers: ClinVar variation 1333196 (VCV001333196.1), dbSNP rs2153138452, ClinGen allele CA356745670.

ClinVar aggregate classification (germline): Likely pathogenic (1 of 4 stars; one submission).

Conditions:
Psychomotor regression-oculomotor apraxia-movement disorder-nephropathy syndrome (BILAPES). Also called: Birk-Landau-Perez syndrome. Identifiers: Orphanet 505242, MedGen C4539828, MONDO:0044726, OMIM 617595.

Submission:

3billion
Classification: Likely pathogenic for Psychomotor regression-oculomotor apraxia-movement disorder-nephropathy syndrome. Last evaluated: 2022-01-03. Review status: criteria provided, single submitter. Criteria: ACMG Guidelines, 2015. Collection method: clinical testing. Allele origin: germline. Affected: yes. Observed: 1 heterozygote.
Comment: Canonical splice site: predicted to alter splicing and result in a loss or disruption of normal protein function through protein truncation. Multiple pathogenic variants are reported in the predicted truncated region (PVS1_VS).It is not observed in the gnomAD v2.1.1 dataset (PM2_M). Therefore, this variant is classified as likely pathogenic according to the recommendation of ACMG/AMP guideline.